The following is an entry in ClinVar:

ClinVar aggregate classification (germline): Uncertain significance (1 of 4 stars; one submission).

Conditions:
Mitochondrial trifunctional protein deficiency. Identifiers: Orphanet 746, MedGen C1969443, MONDO:0012172.
Long chain 3-hydroxyacyl-CoA dehydrogenase deficiency. Also called: Deficiency of long-chain 3-hydroxyacyl-coenzyme A dehydrogenase; LCHAD Deficiency. Identifiers: Orphanet 5, MedGen C3711645, MONDO:0012173, OMIM 609016.

Submission:

Labcorp Genetics (formerly Invitae), Labcorp
Classification: Uncertain significance for Mitochondrial trifunctional protein deficiency; Long chain 3-hydroxyacyl-CoA dehydrogenase deficiency. Last evaluated: 2020-12-13. Review status: criteria provided, single submitter. Criteria: Invitae Variant Classification Sherloc (09022015). Collection method: clinical testing. Allele origin: germline.
Comment: In summary, the available evidence is currently insufficient to determine the role of this variant in disease. Therefore, it has been classified as a Variant of Uncertain Significance. Algorithms developed to predict the effect of missense changes on protein structure and function are either unavailable or do not agree on the potential impact of this missense change (SIFT: "Deleterious"; PolyPhen-2: "Probably Damaging"; Align-GVGD: "Class C0"). This variant has not been reported in the literature in individuals with HADHA-related conditions. This variant is not present in population databases (ExAC no frequency). This sequence change replaces valine with alanine at codon 582 of the HADHA protein (p.Val582Ala). The valine residue is highly conserved and there is a small physicochemical difference between valine and alanine.

NM_000182.5(HADHA):c.1745T>C (p.Val582Ala)

Genes: GAREM2 (GRB2 associated regulator of MAPK1 subtype 2; plus strand), HADHA (hydroxyacyl-CoA dehydrogenase trifunctional multienzyme complex subunit alpha; minus strand). Cytogenetic location: 2p23.3.
Variant type: single nucleotide variant.
Coding change: c.1745T>C on transcript NM_000182.5 (MANE Select); coding-DNA position 1745, T replaced by C.
Protein change: p.Val582Ala; replaces valine 582 with alanine.
Molecular consequence: missense variant.
Genome position (GRCh38, 1-based): chr2:26,193,717, A>G on the plus strand (T>C on the coding strand, the complement: HADHA is on the minus strand). VCF-style: chr2-26193717-A-G. GRCh37 (hg19) VCF-style: chr2-26416586-A-G.
Other names: short protein forms V582A.
Identifiers: ClinVar variation 1483196 (VCV001483196.8), dbSNP rs1574602341, ClinGen allele CA346118240.